The following is an entry in ClinVar:

ClinVar aggregate classification (germline): Uncertain significance (1 of 4 stars; one submission).

Allele frequency attached by ClinVar (database versions not stated): gnomAD exomes below 0.00001 and 0.00001; gnomAD 0.00002 and 0.00004; TOPMed 0.00002; ExAC 0.00004.
gnomAD v4.1: 6 of 1,551,828 alleles (0.00039%); highest among the groups gnomAD compares: African/African-American, 0.0082%; no homozygotes.

Submission:

Labcorp Genetics (formerly Invitae), Labcorp
Classification: Uncertain significance. Last evaluated: 2022-03-20. Review status: criteria provided, single submitter. Criteria: Invitae Variant Classification Sherloc (09022015). Collection method: clinical testing. Allele origin: germline.
Comment: This sequence change replaces glutamine, which is neutral and polar, with histidine, which is basic and polar, at codon 3078 of the UNC80 protein (p.Gln3078His). This variant is present in population databases (rs760871771, gnomAD 0.02%). This variant has not been reported in the literature in individuals affected with UNC80-related conditions. Algorithms developed to predict the effect of missense changes on protein structure and function are either unavailable or do not agree on the potential impact of this missense change (SIFT: "Not Available"; PolyPhen-2: "Possibly Damaging"; Align-GVGD: "Not Available"). In summary, the available evidence is currently insufficient to determine the role of this variant in disease. Therefore, it has been classified as a Variant of Uncertain Significance.

NM_001371986.1(UNC80):c.9432G>C (p.Gln3144His)

Gene: UNC80 (unc-80 homolog, NALCN channel complex subunit; plus strand). Cytogenetic location: 2q34.
Variant type: single nucleotide variant.
Coding change: c.9432G>C on transcript NM_001371986.1 (MANE Select); coding-DNA position 9432, G replaced by C.
Protein change: p.Gln3144His; replaces glutamine 3144 with histidine.
Molecular consequence: missense variant.
Genome position (GRCh38, 1-based): chr2:209,993,350, G>C. VCF-style: chr2-209993350-G-C. GRCh37 (hg19) VCF-style: chr2-210858074-G-C.
Other names: c.9234G>C, p.Gln3078His (NM_032504.2); c.9162G>C, p.Gln3054His (NM_182587.4); short protein forms Q3054H, Q3078H, Q3144H.
Identifiers: ClinVar variation 1368141 (VCV001368141.5), dbSNP rs760871771, ClinGen allele CA2083670.
Genomic context (GRCh38, chr2:209,993,350, plus strand): 5'-GTTTTATTCTGCCTATTCTCTTTAGCTAAGACGTCCTCTACTATCACGTCAGAAAACTCA[G>C]ACTGAACCCAGAAATCGCCAAGGGGCTCGGCTGTCAACCACTCGCAGGAGCATTCAACCT-3'
Protein context (NP_001358915.1, residues 3134-3154): RRPLLSRQKT[Gln3144His]TEPRNRQGAR